The following is an entry in ClinVar:

NM_001126108.2(SLC12A3):c.1061_1062dup (p.Leu355fs)

Gene: SLC12A3 (solute carrier family 12 member 3; plus strand). Cytogenetic location: 16q13.
Variant type: Duplication.
Coding change: c.1061_1062dup on transcript NM_001126108.2 (MANE Select); coding-DNA positions 1061 to 1062, 2 bases duplicated (TC; older notation c.1061_1062dupTC).
Protein change: p.Leu355fs; shifts the reading frame from leucine 355.
Molecular consequence: frameshift variant.
Genome position (GRCh38, 1-based): chr16:56,872,752-56,872,753, TC duplicated. VCF-style (leftmost placement, unchanged base first): chr16-56872751-A-ATC. GRCh37 (hg19) VCF-style: chr16-56906663-A-ATC.
Other names: c.1061_1062dup, p.Leu355fs (NM_000339.3); c.1058_1059dup, p.Leu354fs (NM_001126107.2, NM_001410896.1); c.1061_1062dupTC (NM_000339.3); short protein forms L354fs, L355fs.
Identifiers: ClinVar variation 4847759 (VCV004847759.1).

ClinVar aggregate classification (germline): Pathogenic (1 of 4 stars; one submission).

Conditions:
Familial hypokalemia-hypomagnesemia (GTLMNS). Also called: POTASSIUM AND MAGNESIUM DEPLETION; HYPOMAGNESEMIA-HYPOKALEMIA, PRIMARY RENOTUBULAR, WITH HYPOCALCIURIA; gitelman syndrome. Identifiers: Orphanet 358, MedGen C0268450, MONDO:0009904, OMIM 263800.

Submission:

Women's Health and Genetics/Laboratory Corporation of America, LabCorp
Classification: Pathogenic for Familial hypokalemia-hypomagnesemia. Last evaluated: 2026-03-23. Review status: criteria provided, single submitter. Criteria: LabCorp Variant Classification Summary - May 2015. Collection method: clinical testing. Allele origin: germline.
Comment: Variant summary: SLC12A3 c.1061_1062dupTC (p.Leu355SerfsX16) results in a premature termination codon, predicted to cause a truncation of the encoded protein or absence of the protein due to nonsense mediated decay, which are commonly known mechanisms for disease. The variant allele was found at a frequency of 4e-06 in 251458 control chromosomes. c.1061_1062dupTC has been observed in a compound heterozygous individuals affected with Familial Hypokalemia-Hypomagnesemia (Berry_2013). To our knowledge, no experimental evidence demonstrating an impact on protein function has been reported. The following publication have been ascertained in the context of this evaluation (PMID: 23328711). No submitters have cited clinical-significance assessments for this variant to ClinVar. Based on the evidence outlined above, the variant was classified as pathogenic.

Literature cited by the submitters: PubMed 23328711.